The following is an entry in ClinVar:

ClinVar aggregate classification (germline): Uncertain significance (1 of 4 stars; one submission).

Conditions:
Charcot-Marie-Tooth disease axonal type 2O. Also called: CHARCOT-MARIE-TOOTH NEUROPATHY, AXONAL, TYPE 2O; CHARCOT-MARIE-TOOTH DISEASE, AXONAL, AUTOSOMAL DOMINANT, TYPE 2O; Charcot-Marie-Tooth Neuropathy Type 2O; Charcot-Marie-Tooth disease, axonal, type 20. Identifiers: Orphanet 284232, MedGen C3280220, MONDO:0013644, OMIM 614228.

Submission:

Labcorp Genetics (formerly Invitae), Labcorp
Classification: Uncertain significance for Charcot-Marie-Tooth disease axonal type 2O. Last evaluated: 2025-06-22. Review status: criteria provided, single submitter. Criteria: Invitae Variant Classification Sherloc (09022015). Collection method: clinical testing. Allele origin: germline.
Comment: This sequence change replaces aspartic acid, which is acidic and polar, with alanine, which is neutral and non-polar, at codon 1436 of the DYNC1H1 protein (p.Asp1436Ala). This variant is not present in population databases (gnomAD no frequency). This variant has not been reported in the literature in individuals affected with DYNC1H1-related conditions. Invitae Evidence Modeling of protein sequence and biophysical properties (such as structural, functional, and spatial information, amino acid conservation, physicochemical variation, residue mobility, and thermodynamic stability) has been performed for this missense variant. However, the output from this modeling did not meet the statistical confidence thresholds required to predict the impact of this variant on DYNC1H1 protein function. In summary, the available evidence is currently insufficient to determine the role of this variant in disease. Therefore, it has been classified as a Variant of Uncertain Significance.

NM_001376.5(DYNC1H1):c.4307A>C (p.Asp1436Ala)

Gene: DYNC1H1 (dynein cytoplasmic 1 heavy chain 1; plus strand). Cytogenetic location: 14q32.31.
Variant type: single nucleotide variant.
Coding change: c.4307A>C on transcript NM_001376.5 (MANE Select); coding-DNA position 4307, A replaced by C.
Protein change: p.Asp1436Ala; replaces aspartic acid 1436 with alanine.
Molecular consequence: missense variant.
Genome position (GRCh38, 1-based): chr14:102,001,266, A>C. VCF-style: chr14-102001266-A-C. GRCh37 (hg19) VCF-style: chr14-102467603-A-C.
Other names: short protein forms D1436A.
Identifiers: ClinVar variation 4809744 (VCV004809744.1).
Genomic context (GRCh38, chr14:102,001,266, plus strand): 5'-TCATGAAAAGGCTTCACGTTAATTGGGTTGTTTCTGAGCTAACCCTTGGCCAAATCTGGG[A>C]TGTTGACTTGCAGAAAAATGAAGCGATTGTCAAGGATGTACTGCTTGTGGCACAAGGGGA-3'
Protein context (NP_001367.2, residues 1426-1446): VSELTLGQIW[Asp1436Ala]VDLQKNEAIV